The following is an entry in ClinVar:

ClinVar aggregate classification (germline): Uncertain significance (1 of 4 stars; one submission).

Allele frequency attached by ClinVar (database versions not stated): gnomAD 0.00001.

Submission:

Labcorp Genetics (formerly Invitae), Labcorp
Classification: Uncertain significance. Last evaluated: 2024-06-03. Review status: criteria provided, single submitter. Criteria: Invitae Variant Classification Sherloc (09022015). Collection method: clinical testing. Allele origin: germline.
Comment: This sequence change affects an acceptor splice site in intron 9 of the GABRA2 gene. It is expected to disrupt RNA splicing. Variants that disrupt the donor or acceptor splice site typically lead to a loss of protein function (PMID: 16199547), however the current clinical and genetic evidence is not sufficient to establish whether loss-of-function variants in GABRA2 cause disease. This variant is not present in population databases (gnomAD no frequency). This variant has not been reported in the literature in individuals affected with GABRA2-related conditions. Algorithms developed to predict the effect of sequence changes on RNA splicing suggest that this variant may disrupt the consensus splice site. In summary, the available evidence is currently insufficient to determine the role of this variant in disease. Therefore, it has been classified as a Variant of Uncertain Significance.

Literature cited by the submitters: PubMed 16199547.

NM_000807.4(GABRA2):c.1059+5550A>G

Gene: GABRA2 (gamma-aminobutyric acid type A receptor subunit alpha2; minus strand). Cytogenetic location: 4p12.
Variant type: single nucleotide variant.
Coding change: c.1059+5550A>G on transcript NM_000807.4 (MANE Select); 5550 bases into the intron after coding-DNA position 1059, A replaced by G.
Molecular consequence: intron variant. On other transcripts: splice acceptor variant (4).
Genome position (GRCh38, 1-based): chr4:46,256,376, T>C on the plus strand (A>G on the coding strand, the complement: GABRA2 is on the minus strand). VCF-style: chr4-46256376-T-C. GRCh37 (hg19) VCF-style: chr4-46258393-T-C.
Other names: c.894+5550A>G (NM_001377154.1, NM_001377152.1, NM_001377153.1); c.1059+5550A>G (NM_001377146.1, NM_001377150.1, NM_001377147.1 and 4 more transcripts); c.1060-2A>G (NM_001377145.1, NM_001377144.1, NM_001330690.2); c.895-2A>G (NM_001286827.3).
Identifiers: ClinVar variation 2794412 (VCV002794412.3), dbSNP rs1715834977, ClinGen allele CA356803977.